The following is an entry in ClinVar:

NM_144599.5(NIPA1):c.21A>G (p.Ala7=)

Genes: NIPA1 (NIPA magnesium transporter 1; plus strand), LOC130056709 (ATAC-STARR-seq lymphoblastoid silent region 6259; plus strand). Cytogenetic location: 15q11.2.
Variant type: single nucleotide variant.
Coding change: c.21A>G on transcript NM_144599.5 (MANE Select); coding-DNA position 21, A replaced by G.
Protein change: p.Ala7=; no amino-acid change (alanine 7 retained).
Molecular consequence: synonymous variant. On other transcripts: intron variant (1).
Genome position (GRCh38, 1-based): chr15:22,786,677, A>G. VCF-style: chr15-22786677-A-G. GRCh37 (hg19) VCF-style: chr15-23086391-T-C.
Other names: p.Ala7=; c.-48+429A>G (NM_001142275.1).
Identifiers: ClinVar variation 380931 (VCV000380931.23), dbSNP rs749414711, ClinGen allele CA7426232.

ClinVar aggregate classification (germline): Conflicting classifications of pathogenicity. Review status: criteria provided, conflicting classifications (1 of 4 stars). 6 submissions from 6 submitters: Uncertain significance (1); Likely benign (5). Last evaluated 2025-12-16.

Conditions:
Hereditary spastic paraplegia 6 (SPG6). Also called: SPASTIC PARAPLEGIA 6, AUTOSOMAL DOMINANT. Identifiers: Orphanet 100988, MedGen C1838192, MONDO:0010878, OMIM 600363.
Hereditary spastic paraplegia. Also called: Familial spastic paraparesis. Identifiers: Orphanet 685, MedGen C0037773, MONDO:0019064. Disease mechanism: loss of function.

Allele frequency attached by ClinVar (database versions not stated): ExAC below 0.00001; gnomAD 0.00027 and 0.00030; gnomAD exomes 0.00064.
gnomAD v4.1: 347 of 1,071,576 alleles (0.032%); highest among the groups gnomAD compares: South Asian, 0.053%; no homozygotes.

Submissions (6):

Labcorp Genetics (formerly Invitae), Labcorp
Classification: Likely benign for Hereditary spastic paraplegia 6. Last evaluated: 2025-12-16. Review status: criteria provided, single submitter. Criteria: Invitae Variant Classification Sherloc (09022015). Collection method: clinical testing. Allele origin: germline.

Mayo Clinic Laboratories, Mayo Clinic
Classification: Likely benign. Last evaluated: 2025-08-20. Review status: criteria provided, single submitter. Criteria: ACMG Guidelines, 2015. Collection method: clinical testing. Allele origin: germline. Observed: 13 variant alleles.
Comment: BS2, BP4, BP7

Blueprint Genetics
Classification: Likely benign. Last evaluated: 2024-09-20. Review status: criteria provided, single submitter. Criteria: ACMG Guidelines, 2015. Collection method: clinical testing. Allele origin: germline.

GeneDx
Classification: Likely benign. Last evaluated: 2021-01-09. Review status: criteria provided, single submitter. Criteria: GeneDx Variant Classification Process June 2021. Collection method: clinical testing. Allele origin: germline. Affected: yes.

Genome Diagnostics Laboratory, The Hospital for Sick Children
Classification: Likely benign for Hereditary spastic paraplegia. Last evaluated: 2018-12-01. Review status: criteria provided, single submitter. Criteria: ACMG Guidelines, 2015. Collection method: clinical testing. Allele origin: germline. Affected: yes.

Illumina Laboratory Services, Illumina
Classification: Uncertain significance for Hereditary spastic paraplegia 6. Last evaluated: 2018-01-13. Review status: criteria provided, single submitter. Criteria: ICSL Variant Classification Criteria 13 December 2019. Collection method: clinical testing. Allele origin: germline.